The following is an entry in ClinVar:

ClinVar aggregate classification (germline): Conflicting classifications of pathogenicity. Review status: criteria provided, conflicting classifications (1 of 4 stars). 4 submissions from 4 submitters: Uncertain significance (3); Likely benign (1). Last evaluated 2025-08-22.

Conditions:
Inborn genetic diseases. Identifiers: MedGen C0950123, MeSH D030342.
Junctional epidermolysis bullosa with pyloric atresia. Also called: APLASIA CUTIS CONGENITA WITH GASTROINTESTINAL ATRESIA; CARMI SYNDROME; EB-PA-ACC; EPIDERMOLYSIS BULLOSA, JUNCTIONAL 5B, WITH PYLORIC ATRESIA; ITGB4-Related Epidermolysis Bullosa with Pyloric Atresia; ITGA6-Related Epidermolysis Bullosa with Pyloric Atresia. Identifiers: Orphanet 79403, MedGen C5676875, MONDO:0009183, OMIM 226730.
Epidermolysis bullosa, junctional 5A, intermediate. Also called: EPIDERMOLYSIS BULLOSA, JUNCTIONAL 5A, GENERALIZED INTERMEDIATE; EPIDERMOLYSIS BULLOSA, JUNCTIONAL 5A, NON-HERLITZ TYPE. Identifiers: MedGen C5676956, MONDO:0030768, OMIM 619816.

Allele frequency attached by ClinVar (database versions not stated): ExAC 0.00001; gnomAD exomes 0.00001; gnomAD 0.00007; TOPMed 0.00007; 1000 Genomes Project 0.00040; 1000 Genomes Project 30x 0.00062.
gnomAD v4.1: 20 of 1,613,144 alleles (0.0012%); highest among the groups gnomAD compares: Admixed American, 0.025%; no homozygotes.

Submissions (4):

Ambry Genetics
Classification: Uncertain significance for Inborn genetic diseases. Last evaluated: 2025-08-22. Review status: criteria provided, single submitter. Criteria: Ambry Variant Classification Scheme 2023. Collection method: clinical testing. Allele origin: germline.

Fulgent Genetics
Classification: Uncertain significance for Junctional epidermolysis bullosa with pyloric atresia; Epidermolysis bullosa, junctional 5A, intermediate. Last evaluated: 2024-01-30. Review status: criteria provided, single submitter. Criteria: ACMG Guidelines, 2015. Collection method: clinical testing. Allele origin: germline.

Labcorp Genetics (formerly Invitae), Labcorp
Classification: Uncertain significance. Last evaluated: 2022-08-28. Review status: criteria provided, single submitter. Criteria: Invitae Variant Classification Sherloc (09022015). Collection method: clinical testing. Allele origin: germline.
Comment: This sequence change replaces serine, which is neutral and polar, with proline, which is neutral and non-polar, at codon 1069 of the ITGB4 protein (p.Ser1069Pro). This variant is present in population databases (rs530916890, gnomAD 0.007%). This variant has not been reported in the literature in individuals affected with ITGB4-related conditions. ClinVar contains an entry for this variant (Variation ID: 888919). Algorithms developed to predict the effect of missense changes on protein structure and function are either unavailable or do not agree on the potential impact of this missense change (SIFT: "Not Available"; PolyPhen-2: "Possibly Damaging"; Align-GVGD: "Not Available"). In summary, the available evidence is currently insufficient to determine the role of this variant in disease. Therefore, it has been classified as a Variant of Uncertain Significance.

Illumina Laboratory Services, Illumina
Classification: Likely benign for Junctional epidermolysis bullosa with pyloric atresia. Last evaluated: 2018-03-06. Review status: criteria provided, single submitter. Criteria: ICSL Variant Classification Criteria 13 December 2019. Collection method: clinical testing. Allele origin: germline.
Comment: This variant was observed in the ICSL laboratory as part of a predisposition screen in an ostensibly healthy population. It had not been previously curated by ICSL or reported in the Human Gene Mutation Database (HGMD: prior to June 1st, 2018), and was therefore a candidate for classification through an automated scoring system. Utilizing variant allele frequency, disease prevalence and penetrance estimates, and inheritance mode, an automated score was calculated to assess if this variant is too frequent to cause the disease. Based on the score and internal cut-off values, a variant classified as likely benign is not then subjected to further curation. The score for this variant resulted in a classification of likely benign for this disease.

NM_000213.5(ITGB4):c.3205T>C (p.Ser1069Pro)

Gene: ITGB4 (integrin subunit beta 4; plus strand). Cytogenetic location: 17q25.1.
Variant type: single nucleotide variant.
Coding change: c.3205T>C on transcript NM_000213.5 (MANE Select); coding-DNA position 3205, T replaced by C.
Protein change: p.Ser1069Pro; replaces serine 1069 with proline.
Molecular consequence: missense variant.
Genome position (GRCh38, 1-based): chr17:75,748,934, T>C. VCF-style: chr17-75748934-T-C. GRCh37 (hg19) VCF-style: chr17-73745015-T-C.
Other names: c.3205T>C, p.Ser1069Pro (NM_001005619.2, NM_001005731.3, NM_001321123.2); short protein forms S1069P.
Identifiers: ClinVar variation 888919 (VCV000888919.7), dbSNP rs530916890, ClinGen allele CA8769733.